The following is an entry in ClinVar:

ClinVar aggregate classification (germline): Pathogenic/Likely pathogenic. Review status: criteria provided, multiple submitters, no conflicts (2 of 4 stars). 8 submissions from 8 submitters: Pathogenic (4); Likely pathogenic (3). 1 of the submissions does not count toward it. Last evaluated 2025-04-09.

Conditions:
Glycine encephalopathy 1 (GCE1). Identifiers: MedGen CN376801, MONDO:0958179, OMIM 605899.
Glycine encephalopathy. Also called: Nonketotic hyperglycinemia; Non-ketotic hyperglycinemia. Identifiers: Orphanet 407, MedGen C0751748, MONDO:0011612, HP:0008288.

Allele frequency attached by ClinVar (database versions not stated): gnomAD exomes below 0.00001; TOPMed below 0.00001; gnomAD 0.00003.

Submissions (8):

Natera, Inc.
Classification: Likely pathogenic for Non-ketotic hyperglycinemia. Last evaluated: 2025-04-09. Review status: criteria provided, single submitter. Criteria: Natera Variant Classification Schema (03/2026). Collection method: clinical testing. Allele origin: germline.
Comment: The c.911C>T variant in GLDC is a missense variant predicted to cause substitution of proline to leucine at amino acid 304. This variant is rare in the general population with a frequency below the threshold expected for the associated phenotype(s). This variant has been observed in one or more individuals affected with the associated recessive disease, as either homozygous or compound heterozygous with a second variant (PMID: 27362913, 26179960). Functional studies show that this variant may disrupt protein function (PMID: 26179960). Computational prediction algorithms indicate this variant is likely to affect gene or protein function. Given the available evidence, this variant is classified as Likely Pathogenic.

Fulgent Genetics
Classification: Pathogenic for Glycine encephalopathy 1. Last evaluated: 2024-04-20. Review status: criteria provided, single submitter. Criteria: ACMG Guidelines, 2015. Collection method: clinical testing. Allele origin: germline.

Women's Health and Genetics/Laboratory Corporation of America, LabCorp
Classification: Pathogenic for Glycine encephalopathy. Last evaluated: 2024-04-18. Review status: criteria provided, single submitter. Criteria: LabCorp Variant Classification Summary - May 2015. Collection method: clinical testing. Allele origin: germline.
Comment: Variant summary: GLDC c.911C>T (p.Pro304Leu) results in a non-conservative amino acid change located in the Glycine cleavage system P-protein, N-terminal domain (IPR049315) of the encoded protein sequence. Five of five in-silico tools predict a damaging effect of the variant on protein function. The frequency data for this variant in gnomAD v2.1 is considered unreliable, as metrics indicate poor data quality at this position in the exome samples. However, in the genome samples, it was found at a frequency of 3.2e-05 in 31404 chromosomes. c.911C>T has been reported in the literature in individuals affected with Glycine Encephalopathy (Non-Ketotic Hyperglycinemia; Swanson_2015, Coughlin_2017). These data indicate that the variant is likely to be associated with disease. At least one publication reports experimental evidence evaluating an impact on protein function, finding that the variant results in no detectible enzymatic activity (Swanson_2015). The following publications have been ascertained in the context of this evaluation (PMID: 26179960, 27362913). ClinVar contains an entry for this variant (Variation ID: 554650). Based on the evidence outlined above, the variant was classified as pathogenic.

Labcorp Genetics (formerly Invitae), Labcorp
Classification: Pathogenic for Glycine encephalopathy. Last evaluated: 2023-11-24. Review status: criteria provided, single submitter. Criteria: Invitae Variant Classification Sherloc (09022015). Collection method: clinical testing. Allele origin: germline.
Comment: This sequence change replaces proline, which is neutral and non-polar, with leucine, which is neutral and non-polar, at codon 304 of the GLDC protein (p.Pro304Leu). This variant is present in population databases (no rsID available, gnomAD 0.0008%). This missense change has been observed in individual(s) with glycine encephalopathy, also known as non-ketotic hyperglycinemia (PMID: 26179960, 27362913). In at least one individual the data is consistent with being in trans (on the opposite chromosome) from a pathogenic variant. ClinVar contains an entry for this variant (Variation ID: 554650). Advanced modeling of protein sequence and biophysical properties (such as structural, functional, and spatial information, amino acid conservation, physicochemical variation, residue mobility, and thermodynamic stability) performed at Invitae indicates that this missense variant is expected to disrupt GLDC protein function with a positive predictive value of 80%. Experimental studies have shown that this missense change affects GLDC function (PMID: 26179960). For these reasons, this variant has been classified as Pathogenic.

GeneDx
Classification: Likely pathogenic. Last evaluated: 2022-09-16. Review status: criteria provided, single submitter. Criteria: GeneDx Variant Classification Process June 2021. Collection method: clinical testing. Allele origin: germline. Affected: yes.
Comment: Published functional studies demonstrate a damaging effect on GLDC function (Swanson et al., 2015); Not observed at significant frequency in large population cohorts (gnomAD); In silico analysis supports that this missense variant has a deleterious effect on protein structure/function; This variant is associated with the following publications: (PMID: 26179960)

Revvity Omics, Revvity
Classification: Pathogenic for Glycine encephalopathy 1. Last evaluated: 2021-10-07. Review status: criteria provided, single submitter. Criteria: ACMG Guidelines, 2015. Collection method: clinical testing. Allele origin: germline.

Rady Children's Institute for Genomic Medicine, Rady Children's Hospital San Diego
Classification: Likely pathogenic for GLYCINE ENCEPHALOPATHY. Review status: criteria provided, single submitter. Criteria: ACMG Guidelines, 2015. Collection method: clinical testing. Allele origin: germline. Affected: yes.
Comment: This variant has been previously reported in patients with non-ketotic hyperglycinemia (PMID: 27362913, 26179960). In one patient, the c.911C>T was in compound heterozygous state with another missense variant (PMID: 26179960). It is present in the heterozygous state in the gnomAD population database at a frequency of 0.0003% (1/282642) and thus is presumed to be rare. In silico analyses support a deleterious effect of the variant on protein function. Based on the available evidence, the c.911C>T (p.Pro304Leu) variant is classified as Likely Pathogenic.

Counsyl
Classification: Likely pathogenic for Glycine encephalopathy 1. Last evaluated: 2017-10-30. Review status: no assertion criteria provided. Collection method: clinical testing. Allele origin: unknown. Not counted in ClinVar's aggregate classification.

Literature cited by the submitters: PubMed 27362913 (cited by 4 submitters); PubMed 26179960 (cited by 4 submitters).

NM_000170.3(GLDC):c.911C>T (p.Pro304Leu)

Gene: GLDC (glycine decarboxylase; minus strand). Cytogenetic location: 9p24.1.
Variant type: single nucleotide variant.
Coding change: c.911C>T on transcript NM_000170.3 (MANE Select); coding-DNA position 911, C replaced by T.
Protein change: p.Pro304Leu; replaces proline 304 with leucine.
Molecular consequence: missense variant.
Genome position (GRCh38, 1-based): chr9:6,604,735, G>A on the plus strand (C>T on the coding strand, the complement: GLDC is on the minus strand). VCF-style: chr9-6604735-G-A. GRCh37 (hg19) VCF-style: chr9-6604735-G-A.
Other names: short protein forms P304L.
Identifiers: ClinVar variation 554650 (VCV000554650.18), dbSNP rs1207147043, ClinGen allele CA372895881.